The following is an entry in ClinVar:

NM_001378120.1(MBD5):c.4741T>C (p.Cys1581Arg)

Gene: MBD5 (methyl-CpG binding domain protein 5; plus strand). Cytogenetic location: 2q23.1.
Variant type: single nucleotide variant.
Coding change: c.4741T>C on transcript NM_001378120.1 (MANE Select); coding-DNA position 4741, T replaced by C.
Protein change: p.Cys1581Arg; replaces cysteine 1581 with arginine.
Molecular consequence: missense variant.
Genome position (GRCh38, 1-based): chr2:148,490,373, T>C. VCF-style: chr2-148490373-T-C. GRCh37 (hg19) VCF-style: chr2-149247942-T-C.
Other names: c.4042T>C, p.Cys1348Arg (NM_018328.5); short protein forms C1348R, C1581R.
Identifiers: ClinVar variation 569386 (VCV000569386.10), dbSNP rs1396512077, ClinGen allele CA348730885.

ClinVar aggregate classification (germline): Uncertain significance. Review status: criteria provided, multiple submitters, no conflicts (2 of 4 stars). 2 submissions from 2 submitters: Uncertain significance (2). Last evaluated 2024-10-07.

Conditions:
Intellectual developmental disorder, autosomal dominant 1. Also called: Intellectual disability, autosomal dominant 1; MBD5 Haploinsufficiency. Identifiers: Orphanet 228402, MedGen C1969562, MONDO:0007974, OMIM 156200.

Submissions (2):

GeneDx
Classification: Uncertain significance. Last evaluated: 2024-10-07. Review status: criteria provided, single submitter. Criteria: GeneDx Variant Classification Process June 2021. Collection method: clinical testing. Allele origin: germline. Affected: yes.
Comment: Not observed at significant frequency in large population cohorts (gnomAD); In silico analysis indicates that this missense variant does not alter protein structure/function; Has not been previously published as pathogenic or benign to our knowledge

Labcorp Genetics (formerly Invitae), Labcorp
Classification: Uncertain significance for Intellectual developmental disorder, autosomal dominant 1. Last evaluated: 2018-02-14. Review status: criteria provided, single submitter. Criteria: Invitae Variant Classification Sherloc (09022015). Collection method: clinical testing. Allele origin: germline.
Comment: This sequence change replaces cysteine with arginine at codon 1348 of the MBD5 protein (p.Cys1348Arg). The cysteine residue is highly conserved and there is a large physicochemical difference between cysteine and arginine. In summary, the available evidence is currently insufficient to determine the role of this variant in disease. Therefore, it has been classified as a Variant of Uncertain Significance. This variant has not been reported in the literature in individuals with MBD5-related disease. This variant is not present in population databases (ExAC no frequency).